The following is an entry in ClinVar:

ClinVar aggregate classification (germline): Likely pathogenic (1 of 4 stars; one submission).

Conditions:
Intellectual developmental disorder, autosomal dominant 39. Also called: Mental retardation, autosomal dominant 39; Intellectual disability, autosomal dominant 39. Identifiers: MedGen C4225296, MONDO:0014678, OMIM 616521.

Submission:

Variantyx, Inc.
Classification: Likely pathogenic for Intellectual developmental disorder, autosomal dominant 39. Last evaluated: 2025-12-10. Review status: criteria provided, single submitter. Criteria: Variantyx Assertion Criteria 2022. Collection method: clinical testing. Allele origin: germline. Inheritance: Autosomal dominant inheritance. Affected: yes.
Comment: This is a nonsense variant in the MYT1L gene (OMIM: 613084). Pathogenic variants in this gene have been associated with autosomal dominant intellectual developmental disorder 39. This variant introduces a premature termination codon in exon 13 out of 25 and is expected to result in loss of function, which is a known disease mechanism for MYT1L in this disorder (PMID: 25232846, 28859103) (PVS1). This variant is absent from control populations (PM2) and it has not been reported in individuals with MYT1L-related disorders in the databases available for review. Based on the current evidence, this variant is classified as likely pathogenic for autosomal dominant intellectual developmental disorder 39.

Literature cited by the submitters: PubMed 25232846; PubMed 2885910.

NM_001303052.2(MYT1L):c.1768C>T (p.Gln590Ter)

Gene: MYT1L (myelin transcription factor 1 like; minus strand). Cytogenetic location: 2p25.3.
Variant type: single nucleotide variant.
Coding change: c.1768C>T on transcript NM_001303052.2 (MANE Select); coding-DNA position 1768, C replaced by T.
Protein change: p.Gln590Ter; replaces glutamine 590 with a stop codon.
Molecular consequence: nonsense.
Genome position (GRCh38, 1-based): chr2:1,910,289, G>A on the plus strand (C>T on the coding strand, the complement: MYT1L is on the minus strand). VCF-style: chr2-1910289-G-A. GRCh37 (hg19) VCF-style: chr2-1914061-G-A.
Other names: c.1768C>T, p.Gln590Ter (NM_001329844.2, NM_001329845.1, NM_001329851.3); c.1762C>T, p.Gln588Ter (NM_001329846.3, NM_001329847.2, NM_001329848.1 and 3 more transcripts); short protein forms Q588*, Q590*.
Identifiers: ClinVar variation 4850792 (VCV004850792.1).